The following is an entry in ClinVar:

ClinVar aggregate classification (germline): Uncertain significance. Review status: criteria provided, multiple submitters, no conflicts (2 of 4 stars). 2 submissions from 2 submitters: Uncertain significance (2). Last evaluated 2025-11-25.

Conditions:
Hereditary cancer-predisposing syndrome. Also called: Hereditary Cancer Syndrome; Hereditary neoplastic syndrome; Neoplastic Syndromes, Hereditary; Tumor predisposition. Identifiers: Orphanet 140162, MedGen C0027672, MeSH D009386, MONDO:0015356.

Allele frequency attached by ClinVar (database versions not stated): gnomAD exomes below 0.00001.
gnomAD v4.1: 1 of 1,613,956 alleles (0.000062%); highest among the groups gnomAD compares: Non-Finnish European, 0.000085%; no homozygotes.

Submissions (2):

Ambry Genetics
Classification: Uncertain significance for Hereditary cancer-predisposing syndrome. Last evaluated: 2025-11-25. Review status: criteria provided, single submitter. Criteria: Ambry Variant Classification Scheme 2023. Collection method: clinical testing. Allele origin: germline.
Comment: The p.A846V variant (also known as c.2537C>T), located in coding exon 22 of the POLE gene, results from a C to T substitution at nucleotide position 2537. The alanine at codon 846 is replaced by valine, an amino acid with similar properties. This amino acid position is highly conserved in available vertebrate species. In addition, the in silico prediction for this alteration is inconclusive. Based on the available evidence, the clinical significance of this variant remains unclear.

Labcorp Genetics (formerly Invitae), Labcorp
Classification: Uncertain significance. Last evaluated: 2024-07-30. Review status: criteria provided, single submitter. Criteria: Invitae Variant Classification Sherloc (09022015). Collection method: clinical testing. Allele origin: germline.
Comment: This sequence change replaces alanine, which is neutral and non-polar, with valine, which is neutral and non-polar, at codon 846 of the POLE protein (p.Ala846Val). This variant is not present in population databases (gnomAD no frequency). This variant has not been reported in the literature in individuals affected with POLE-related conditions. ClinVar contains an entry for this variant (Variation ID: 405659). Advanced modeling of protein sequence and biophysical properties (such as structural, functional, and spatial information, amino acid conservation, physicochemical variation, residue mobility, and thermodynamic stability) performed at Invitae indicates that this missense variant is expected to disrupt POLE protein function with a positive predictive value of 80%. Algorithms developed to predict the effect of sequence changes on RNA splicing suggest that this variant may create or strengthen a splice site. In summary, the available evidence is currently insufficient to determine the role of this variant in disease. Therefore, it has been classified as a Variant of Uncertain Significance.

NM_006231.4(POLE):c.2537C>T (p.Ala846Val)

Gene: POLE (DNA polymerase epsilon, catalytic subunit; minus strand). Cytogenetic location: 12q24.33.
Variant type: single nucleotide variant.
Coding change: c.2537C>T on transcript NM_006231.4 (MANE Select); coding-DNA position 2537, C replaced by T.
Protein change: p.Ala846Val; replaces alanine 846 with valine.
Molecular consequence: missense variant.
Genome position (GRCh38, 1-based): chr12:132,664,394, G>A on the plus strand (C>T on the coding strand, the complement: POLE is on the minus strand). VCF-style: chr12-132664394-G-A. GRCh37 (hg19) VCF-style: chr12-133240980-G-A.
Other names: c.2537C>T (NM_006231.2); short protein forms A846V.
Identifiers: ClinVar variation 405659 (VCV000405659.12), dbSNP rs1060500798, ClinGen allele CA16613916.